The following is an entry in ClinVar:

ClinVar aggregate classification (germline): Likely benign (0 of 4 stars; one submission).

Conditions:
SKIDA1-related disorder. Also called: SKIDA1-related condition.

Submission:

PreventionGenetics, part of Exact Sciences
Classification: Likely benign for SKIDA1-related condition. Last evaluated: 2022-02-18. Review status: no assertion criteria provided. Collection method: clinical testing. Allele origin: germline.
Comment: This variant is classified as likely benign based on ACMG/AMP sequence variant interpretation guidelines (Richards et al. 2015 PMID: 25741868, with internal and published modifications).

NM_207371.4(SKIDA1):c.1268_1269insAGA (p.Glu428_Gly429insGlu)

Gene: SKIDA1 (SKI/DACH domain containing 1; minus strand). Cytogenetic location: 10p12.31.
Variant type: Insertion.
Coding change: c.1268_1269insAGA on transcript NM_207371.4 (MANE Select); coding-DNA positions 1268 to 1269, AGA inserted.
Protein change: p.Glu428_Gly429insGlu.
Genome position: GRCh38 VCF-style: chr10-21516554-C-CTCT. GRCh37 (hg19) VCF-style: chr10-21805483-C-CTCT.
Identifiers: ClinVar variation 3041498 (VCV003041498.2), dbSNP rs779736498, ClinGen allele CA5434140.